The following is an entry in ClinVar:

ClinVar aggregate classification (germline): Uncertain significance (1 of 4 stars; one submission).

Submission:

GeneDx
Classification: Uncertain significance. Last evaluated: 2023-08-02. Review status: criteria provided, single submitter. Criteria: GeneDx Variant Classification Process June 2021. Collection method: clinical testing. Allele origin: germline. Affected: yes.
Comment: Not observed at significant frequency in large population cohorts (gnomAD); In silico analysis supports that this missense variant has a deleterious effect on protein structure/function; Has not been previously published as pathogenic or benign to our knowledge

NM_015330.6(SPECC1L):c.1256A>G (p.Gln419Arg)

Genes: SPECC1L (sperm antigen with calponin homology and coiled-coil domains 1 like; plus strand), SPECC1L-ADORA2A (SPECC1L-ADORA2A readthrough (NMD candidate); plus strand). Cytogenetic location: 22q11.23.
Variant type: single nucleotide variant.
Coding change: c.1256A>G on transcript NM_015330.6 (MANE Select); coding-DNA position 1256, A replaced by G.
Protein change: p.Gln419Arg; replaces glutamine 419 with arginine.
Molecular consequence: missense variant. On other transcripts: non-coding transcript variant (1).
Genome position (GRCh38, 1-based): chr22:24,322,236, A>G. VCF-style: chr22-24322236-A-G. GRCh37 (hg19) VCF-style: chr22-24718204-A-G.
Other names: c.1256A>G, p.Gln419Arg (NM_001145468.4, NM_001254732.3); short protein forms Q419R.
Identifiers: ClinVar variation 3361695 (VCV003361695.1).
Genomic context (GRCh38, chr22:24,322,236, plus strand): 5'-GGATACACCAGATGGAAGAGAACCAACACAGTACAAGTGAGGAACTCCAGGCAACCCTGC[A>G]AGAGCTAGCTGATTTACAGCAGATTACCCAGGAACTGAATAGTGAAAACGAAAGGCTTGG-3'
Protein context (NP_056145.5, residues 409-429): STSEELQATL[Gln419Arg]ELADLQQITQ